The following is an entry in ClinVar:

ClinVar aggregate classification (germline): Uncertain significance. Review status: criteria provided, multiple submitters, no conflicts (2 of 4 stars). 2 submissions from 2 submitters: Uncertain significance (2). Last evaluated 2026-07-06.

Conditions:
Familial cancer of breast. Also called: Hereditary breast cancer; BREAST CANCER, FAMILIAL; hereditary breast carcinoma. Identifiers: Orphanet 227535, MedGen C0346153, MONDO:0016419, OMIM 114480. Disease mechanism: loss of function.
Hereditary cancer-predisposing syndrome. Also called: Hereditary Cancer Syndrome; Tumor predisposition; Neoplastic Syndromes, Hereditary; Hereditary neoplastic syndrome. Identifiers: Orphanet 140162, MedGen C0027672, MeSH D009386, MONDO:0015356.

Submissions (2):

Ambry Genetics
Classification: Uncertain significance for Hereditary cancer-predisposing syndrome. Last evaluated: 2026-07-06. Review status: criteria provided, single submitter. Criteria: Ambry Variant Classification Scheme 2023. Collection method: clinical testing. Allele origin: germline.
Comment: The p.N626H variant (also known as c.1876A>C), located in coding exon 9 of the BARD1 gene, results from an A to C substitution at nucleotide position 1876. The asparagine at codon 626 is replaced by histidine, an amino acid with similar properties. This amino acid position is conserved. In addition, this alteration is predicted to be tolerated by in silico analysis. Based on the available evidence, the clinical significance of this variant remains unclear.

Labcorp Genetics (formerly Invitae), Labcorp
Classification: Uncertain significance for Familial cancer of breast. Last evaluated: 2020-11-17. Review status: criteria provided, single submitter. Criteria: Invitae Variant Classification Sherloc (09022015). Collection method: clinical testing. Allele origin: germline.
Comment: This sequence change replaces asparagine with histidine at codon 626 of the BARD1 protein (p.Asn626His). The asparagine residue is moderately conserved and there is a small physicochemical difference between asparagine and histidine. This variant is not present in population databases (ExAC no frequency). This variant has not been reported in the literature in individuals with BARD1-related conditions. Algorithms developed to predict the effect of missense changes on protein structure and function (SIFT, PolyPhen-2, Align-GVGD) all suggest that this variant is likely to be tolerated, but these predictions have not been confirmed by published functional studies and their clinical significance is uncertain. In summary, the available evidence is currently insufficient to determine the role of this variant in disease. Therefore, it has been classified as a Variant of Uncertain Significance.

NM_000465.4(BARD1):c.1876A>C (p.Asn626His)

Gene: BARD1 (BRCA1 associated RING domain 1; minus strand). Cytogenetic location: 2q35.
Variant type: single nucleotide variant.
Coding change: c.1876A>C on transcript NM_000465.4 (MANE Select); coding-DNA position 1876, A replaced by C.
Protein change: p.Asn626His; replaces asparagine 626 with histidine.
Molecular consequence: missense variant. On other transcripts: non-coding transcript variant (3), intron variant (1).
Genome position (GRCh38, 1-based): chr2:214,745,094, T>G on the plus strand (A>C on the coding strand, the complement: BARD1 is on the minus strand). VCF-style: chr2-214745094-T-G. GRCh37 (hg19) VCF-style: chr2-215609818-T-G.
Other names: c.1819A>C, p.Asn607His (NM_001282543.2); c.523A>C, p.Asn175His (NM_001282545.2); c.466A>C, p.Asn156His (NM_001282548.2); c.365-14586A>C (NM_001282549.2); c.1876A>C (NM_000465.2); short protein forms N156H, N175H, N626H, N607H.
Identifiers: ClinVar variation 1500979 (VCV001500979.10), dbSNP rs2106018800, ClinGen allele CA350452108.